The following is an entry in ClinVar:

ClinVar aggregate classification (germline): Uncertain significance (1 of 4 stars; one submission).

Conditions:
Hereditary cancer-predisposing syndrome. Also called: Neoplastic Syndromes, Hereditary; Tumor predisposition; Hereditary neoplastic syndrome; Hereditary Cancer Syndrome. Identifiers: Orphanet 140162, MedGen C0027672, MeSH D009386, MONDO:0015356.

Submission:

Ambry Genetics
Classification: Uncertain significance for Hereditary cancer-predisposing syndrome. Last evaluated: 2026-07-06. Review status: criteria provided, single submitter. Criteria: Ambry Variant Classification Scheme 2023. Collection method: clinical testing. Allele origin: germline.
Comment: The p.C70Y variant (also known as c.209G>A), located in coding exon 4 of the SDHC gene, results from a G to A substitution at nucleotide position 209. The cysteine at codon 70 is replaced by tyrosine, an amino acid with highly dissimilar properties. This amino acid position is conserved. In addition, this alteration is predicted to be deleterious by in silico analysis. Based on the available evidence, the clinical significance of this variant remains unclear.

NM_003001.5(SDHC):c.209G>A (p.Cys70Tyr)

Gene: SDHC (succinate dehydrogenase complex subunit C; plus strand). Cytogenetic location: 1q23.3.
Variant type: single nucleotide variant.
Coding change: c.209G>A on transcript NM_003001.5 (MANE Select); coding-DNA position 209, G replaced by A.
Protein change: p.Cys70Tyr; replaces cysteine 70 with tyrosine.
Molecular consequence: missense variant. On other transcripts: non-coding transcript variant (1).
Genome position (GRCh38, 1-based): chr1:161,340,623, G>A. VCF-style: chr1-161340623-G-A. GRCh37 (hg19) VCF-style: chr1-161310413-G-A.
Other names: c.209G>A, p.Cys70Tyr (NM_001035511.3); c.107G>A, p.Cys36Tyr (NM_001035512.3, NM_001278172.3, NM_001407118.1); c.50G>A, p.Cys17Tyr (NM_001035513.3); c.329G>A, p.Cys110Tyr (NM_001407115.1); c.152G>A, p.Cys51Tyr (NM_001407116.1, NM_001407117.1, NM_001407121.1); c.98G>A, p.Cys33Tyr (NM_001407119.1, NM_001407120.1); short protein forms C51Y, C70Y, C33Y, C36Y, C110Y, C17Y.
Identifiers: ClinVar variation 5029310 (VCV005029310.1).